The following is an entry in ClinVar:

NM_004415.4(DSP):c.4676T>C (p.Phe1559Ser)

Gene: DSP (desmoplakin; plus strand). Cytogenetic location: 6p24.3.
Variant type: single nucleotide variant.
Coding change: c.4676T>C on transcript NM_004415.4 (MANE Select); coding-DNA position 4676, T replaced by C.
Protein change: p.Phe1559Ser; replaces phenylalanine 1559 with serine.
Molecular consequence: missense variant. On other transcripts: intron variant (2).
Genome position (GRCh38, 1-based): chr6:7,580,866, T>C. VCF-style: chr6-7580866-T-C. GRCh37 (hg19) VCF-style: chr6-7581099-T-C.
Other names: c.4050+626T>C (NM_001319034.2); c.3582+1094T>C (NM_001008844.3); short protein forms F1559S.
Identifiers: ClinVar variation 4786166 (VCV004786166.1).

ClinVar aggregate classification (germline): Uncertain significance (1 of 4 stars; one submission).

Conditions:
Arrhythmogenic cardiomyopathy with wooly hair and keratoderma. Also called: Carvajal syndrome; PALMOPLANTAR KERATODERMA WITH LEFT VENTRICULAR CARDIOMYOPATHY AND WOOLLY HAIR; Dilated cardiomyopathy with woolly hair and keratoderma; Arrhythmogenic cardiomyopathy with woolly hair and keratoderma. Identifiers: Orphanet 65282, MedGen C1854063, MONDO:0011581, OMIM 605676.
Arrhythmogenic right ventricular dysplasia 8 (ARVD8). Also called: Arrhythmogenic Right Ventricular Dysplasia/Cardiomyopathy 8; ARRHYTHMOGENIC RIGHT VENTRICULAR DYSPLASIA, FAMILIAL, 8; ARRHYTHMOGENIC RIGHT VENTRICULAR CARDIOMYOPATHY 8. Identifiers: MedGen C1843896, MONDO:0011831, OMIM 607450.

Submission:

Labcorp Genetics (formerly Invitae), Labcorp
Classification: Uncertain significance for Arrhythmogenic cardiomyopathy with wooly hair and keratoderma; Arrhythmogenic right ventricular dysplasia 8. Last evaluated: 2025-09-18. Review status: criteria provided, single submitter. Criteria: Invitae Variant Classification Sherloc (09022015). Collection method: clinical testing. Allele origin: germline.
Comment: This sequence change replaces phenylalanine, which is neutral and non-polar, with serine, which is neutral and polar, at codon 1559 of the DSP protein (p.Phe1559Ser). This variant is not present in population databases (gnomAD no frequency). This variant has not been reported in the literature in individuals affected with DSP-related conditions. An algorithm developed to predict the effect of missense changes on protein structure and function (PolyPhen-2) suggests that this variant is likely to be tolerated. In summary, the available evidence is currently insufficient to determine the role of this variant in disease. Therefore, it has been classified as a Variant of Uncertain Significance.